The following is an entry in ClinVar:

ClinVar aggregate classification (germline): Likely benign (1 of 4 stars; one submission).

Submission:

GeneDx
Classification: Likely benign. Last evaluated: 2023-10-17. Review status: criteria provided, single submitter. Criteria: GeneDx Variant Classification Process June 2021. Collection method: clinical testing. Allele origin: germline. Affected: yes.
Comment: See Variant Classification Assertion Criteria.

NM_006015.6(ARID1A):c.*3_*13del (p.Ter2286=)

Gene: ARID1A (AT-rich interaction domain 1A; plus strand). Cytogenetic location: 1p36.11.
Variant type: Deletion.
Coding change: c.*3_*13del on transcript NM_006015.6 (MANE Select); 3 bases downstream of the stop codon through 13 bases downstream of the stop codon, 11 bases deleted (GCCGTGGGACA).
Protein change: p.Ter2286=.
Molecular consequence: no sequence alteration.
Genome position (GRCh38, 1-based): chr1:26,780,759-26,780,769, GCCGTGGGACA deleted; deleting any 11 consecutive bases within chr1:26,780,755-26,780,769 gives the same sequence; the c. name uses the placement nearest the transcript's 3' end. VCF-style (leftmost placement, unchanged base first): chr1-26780754-TGACAGCCGTGG-T. GRCh37 (hg19) VCF-style: chr1-27107245-TGACAGCCGTGG-T.
Other names: c.*3_*13del, p.Ter2069= (NM_139135.4).
Identifiers: ClinVar variation 2662328 (VCV002662328.1), dbSNP rs1027841569, ClinGen allele CA19818583.